The following is an entry in ClinVar:

ClinVar aggregate classification (germline): Benign/Likely benign. Review status: criteria provided, multiple submitters, no conflicts (2 of 4 stars). 3 submissions from 3 submitters: Benign (1); Likely benign (2). Last evaluated 2026-06-07.

Conditions:
ZNF469-related disorder. Also called: ZNF469-related condition.
Cardiovascular phenotype. Identifiers: MedGen CN230736.

Allele frequency attached by ClinVar (database versions not stated): gnomAD 0.00007 and 0.00011; gnomAD exomes 0.00009 and 0.00029; TOPMed 0.00010; ExAC 0.00020; 1000 Genomes Project 0.00040; 1000 Genomes Project 30x 0.00078.
gnomAD v4.1: 133 of 1,541,292 alleles (0.0086%); highest among the groups gnomAD compares: East Asian, 0.32%; 1 homozygote.

Submissions (3):

PreventionGenetics, part of Exact Sciences
Classification: Likely benign for ZNF469-related condition. Last evaluated: 2026-06-07. Review status: criteria provided, single submitter. Criteria: ACMG Guidelines, 2015. Collection method: clinical testing. Allele origin: germline.
Comment: This variant is classified as likely benign based on ACMG/AMP sequence variant interpretation guidelines (Richards et al. 2015 PMID: 25741868, with internal and published modifications).

Labcorp Genetics (formerly Invitae), Labcorp
Classification: Benign. Last evaluated: 2026-01-19. Review status: criteria provided, single submitter. Criteria: Invitae Variant Classification Sherloc (09022015). Collection method: clinical testing. Allele origin: germline.

Ambry Genetics
Classification: Likely benign for Cardiovascular phenotype. Last evaluated: 2019-05-20. Review status: criteria provided, single submitter. Criteria: Ambry Variant Classification Scheme 2023. Collection method: clinical testing. Allele origin: germline.

NM_001367624.2(ZNF469):c.9894C>T (p.Asp3298=)

Gene: ZNF469 (zinc finger protein 469; plus strand). Cytogenetic location: 16q24.2.
Variant type: single nucleotide variant.
Coding change: c.9894C>T on transcript NM_001367624.2 (MANE Select); coding-DNA position 9894, C replaced by T.
Protein change: p.Asp3298=; no amino-acid change (aspartic acid 3298 retained).
Molecular consequence: synonymous variant.
Genome position (GRCh38, 1-based): chr16:88,437,364, C>T. VCF-style: chr16-88437364-C-T. GRCh37 (hg19) VCF-style: chr16-88503772-C-T.
Other names: NM_001127464.2:c.9810C>T.
Identifiers: ClinVar variation 321010 (VCV000321010.12), dbSNP rs551298094, ClinGen allele CA8225463.
Genomic context (GRCh38, chr16:88,437,364, plus strand): 5'-CCCCAGCAACCCAGACGGGGCCGCGACCCCAGACAGCGCCTCTGCCACCGCCCTGGCTGA[C>T]GCCGGCAGCCCGGGCCCCCCCAGGACGACCCCCAGCCCGTCCCCCGACCCCTGGGCCGGC-3'
Protein context (NP_001354553.1, residues 3288-3308): PDSASATALA[Asp3298=]AGSPGPPRTT